The following is an entry in ClinVar:

ClinVar aggregate classification (germline): Uncertain significance (1 of 4 stars; one submission).

Conditions:
Peroxisome biogenesis disorder 11A (Zellweger). Also called: Peroxisome biogenesis disorder 11A. Identifiers: Orphanet 912, MedGen C3554000, MONDO:0013949, OMIM 614883.

Allele frequency attached by ClinVar (database versions not stated): gnomAD exomes below 0.00001.
gnomAD v4.1: 2 of 1,613,168 alleles (0.00012%); highest among the groups gnomAD compares: Non-Finnish European, 0.00017%; no homozygotes.

Submission:

Labcorp Genetics (formerly Invitae), Labcorp
Classification: Uncertain significance for Peroxisome biogenesis disorder 11A (Zellweger). Last evaluated: 2021-11-23. Review status: criteria provided, single submitter. Criteria: Invitae Variant Classification Sherloc (09022015). Collection method: clinical testing. Allele origin: germline.
Comment: This sequence change replaces alanine, which is neutral and non-polar, with valine, which is neutral and non-polar, at codon 153 of the PEX13 protein (p.Ala153Val). This variant is not present in population databases (gnomAD no frequency). This variant has not been reported in the literature in individuals affected with PEX13-related conditions. Algorithms developed to predict the effect of missense changes on protein structure and function (SIFT, PolyPhen-2, Align-GVGD) all suggest that this variant is likely to be disruptive. In summary, the available evidence is currently insufficient to determine the role of this variant in disease. Therefore, it has been classified as a Variant of Uncertain Significance.

NM_002618.4(PEX13):c.458C>T (p.Ala153Val)

Gene: PEX13 (peroxisomal biogenesis factor 13; plus strand). Cytogenetic location: 2p15.
Variant type: single nucleotide variant.
Coding change: c.458C>T on transcript NM_002618.4 (MANE Select); coding-DNA position 458, C replaced by T.
Protein change: p.Ala153Val; replaces alanine 153 with valine.
Molecular consequence: missense variant.
Genome position (GRCh38, 1-based): chr2:61,031,784, C>T. VCF-style: chr2-61031784-C-T. GRCh37 (hg19) VCF-style: chr2-61258919-C-T.
Other names: short protein forms A153V.
Identifiers: ClinVar variation 1353058 (VCV001353058.6), dbSNP rs2104803452, ClinGen allele CA346942827.